The following is an entry in ClinVar:

ClinVar aggregate classification (germline): Uncertain significance (1 of 4 stars; one submission).

Conditions:
Idiopathic generalized epilepsy. Also called: EIG; Generalised epilepsy. Identifiers: MedGen C0270850, MONDO:0005579, OMIM 600669.
Hyperaldosteronism, familial, type IV (HALD4). Also called: FH IV; ALDOSTERONISM, PRIMARY, AND HYPERTENSION. Identifiers: Orphanet 642671, MedGen C4310756, MONDO:0014875, OMIM 617027.

Submission:

Labcorp Genetics (formerly Invitae), Labcorp
Classification: Uncertain significance for Idiopathic generalized epilepsy; Hyperaldosteronism, familial, type IV. Last evaluated: 2021-04-22. Review status: criteria provided, single submitter. Criteria: Invitae Variant Classification Sherloc (09022015). Collection method: clinical testing. Allele origin: germline.
Comment: This variant is not present in population databases (ExAC no frequency). In summary, the available evidence is currently insufficient to determine the role of this variant in disease. Therefore, it has been classified as a Variant of Uncertain Significance. Advanced modeling of protein sequence and biophysical properties (such as structural, functional, and spatial information, amino acid conservation, physicochemical variation, residue mobility, and thermodynamic stability) performed at Invitae indicates that this missense variant is not expected to disrupt CACNA1H protein function. This variant has not been reported in the literature in individuals with CACNA1H-related conditions. This sequence change replaces leucine with arginine at codon 697 of the CACNA1H protein (p.Leu697Arg). The leucine residue is moderately conserved and there is a moderate physicochemical difference between leucine and arginine.

NM_021098.3(CACNA1H):c.2090T>G (p.Leu697Arg)

Gene: CACNA1H (calcium voltage-gated channel subunit alpha1 H; plus strand). Cytogenetic location: 16p13.3.
Variant type: single nucleotide variant.
Coding change: c.2090T>G on transcript NM_021098.3 (MANE Select); coding-DNA position 2090, T replaced by G.
Protein change: p.Leu697Arg; replaces leucine 697 with arginine.
Molecular consequence: missense variant.
Genome position (GRCh38, 1-based): chr16:1,204,097, T>G. VCF-style: chr16-1204097-T-G. GRCh37 (hg19) VCF-style: chr16-1254097-T-G.
Other names: c.2090T>G, p.Leu697Arg (NM_001005407.2); short protein forms L697R.
Identifiers: ClinVar variation 1347443 (VCV001347443.8), dbSNP rs2141278256, ClinGen allele CA394165621.